The following is an entry in ClinVar:

ClinVar aggregate classification (germline): Uncertain significance (1 of 4 stars; one submission).

Conditions:
Autism, susceptibility to, 17. Also called: Autism susceptibility 17. Identifiers: MedGen C3150693, MONDO:0013265, OMIM 613436.

gnomAD v4.1: 1 of 1,613,932 alleles (0.000062%); highest among the groups gnomAD compares: Non-Finnish European, 0.000085%; no homozygotes.

Submission:

Geisinger Autism and Developmental Medicine Institute, Geisinger Health System
Classification: Uncertain significance for Autism, susceptibility to, 17. Last evaluated: 2017-07-25. Review status: criteria provided, single submitter. Criteria: ACMG Guidelines, 2015. Collection method: provider interpretation, clinical testing. Allele origin: paternal. Observed: 1 variant allele.
Comment: Variants in the SHANK2 gene are associated with SHANK2-Related Disorder, features of which include autism spectrum disorder, intellectual disability, and schizophrenia (PMID:20473310; PMID:21994763; PMID:22346768). Individuals with this disorder typically have nonsense or frameshift variants resulting in loss of function of the protein. Missense variants have also been reported in the literature. Some reported variants are de novo while others have been inherited from unaffected parents (PMID:20473310; PMID:21994763; PMID:22346768). Computational models for this particular variant are inconsistent. This variant has not been reported previously in population databases or the literature to date.

Literature cited by the submitters: PubMed 20473310; PubMed 21994763; PubMed 22346768.

NM_012309.5(SHANK2):c.3704A>G (p.Lys1235Arg)

Gene: SHANK2 (SH3 and multiple ankyrin repeat domains 2; minus strand). Cytogenetic location: 11q13.3.
Variant type: single nucleotide variant.
Coding change: c.3704A>G on transcript NM_012309.5 (MANE Select); coding-DNA position 3704, A replaced by G.
Protein change: p.Lys1235Arg; replaces lysine 1235 with arginine.
Molecular consequence: missense variant.
Genome position (GRCh38, 1-based): chr11:70,486,589, T>C on the plus strand (A>G on the coding strand, the complement: SHANK2 is on the minus strand). VCF-style: chr11-70486589-T-C. GRCh37 (hg19) VCF-style: chr11-70332694-T-C.
Other names: c.2567A>G, p.Lys856Arg (NM_001379226.1); c.1940A>G, p.Lys647Arg (NM_133266.5); short protein forms K1235R, K647R, K856R.
Identifiers: ClinVar variation 560229 (VCV000560229.3), dbSNP rs1591488559, ClinGen allele CA381685381.